The following is an entry in ClinVar:

NM_016247.4(IMPG2):c.1676C>T (p.Pro559Leu)

Gene: IMPG2 (interphotoreceptor matrix proteoglycan 2; minus strand). Cytogenetic location: 3q12.3.
Variant type: single nucleotide variant.
Coding change: c.1676C>T on transcript NM_016247.4 (MANE Select); coding-DNA position 1676, C replaced by T.
Protein change: p.Pro559Leu; replaces proline 559 with leucine.
Molecular consequence: missense variant.
Genome position (GRCh38, 1-based): chr3:101,244,655, G>A on the plus strand (C>T on the coding strand, the complement: IMPG2 is on the minus strand). VCF-style: chr3-101244655-G-A. GRCh37 (hg19) VCF-style: chr3-100963499-G-A.
Other names: short protein forms P559L.
Identifiers: ClinVar variation 1361730 (VCV001361730.8), dbSNP rs1706455805, ClinGen allele CA353860354.

ClinVar aggregate classification (germline): Uncertain significance (1 of 4 stars; one submission).

Allele frequency attached by ClinVar (database versions not stated): TOPMed below 0.00001; gnomAD exomes 0.00001.
gnomAD v4.1: 15 of 1,613,888 alleles (0.00093%); highest among the groups gnomAD compares: South Asian, 0.0099%; no homozygotes.

Submission:

Labcorp Genetics (formerly Invitae), Labcorp
Classification: Uncertain significance. Last evaluated: 2022-10-13. Review status: criteria provided, single submitter. Criteria: Invitae Variant Classification Sherloc (09022015). Collection method: clinical testing. Allele origin: germline.
Comment: In summary, the available evidence is currently insufficient to determine the role of this variant in disease. Therefore, it has been classified as a Variant of Uncertain Significance. Advanced modeling of protein sequence and biophysical properties (such as structural, functional, and spatial information, amino acid conservation, physicochemical variation, residue mobility, and thermodynamic stability) performed at Invitae indicates that this missense variant is not expected to disrupt IMPG2 protein function. ClinVar contains an entry for this variant (Variation ID: 1361730). This variant has not been reported in the literature in individuals affected with IMPG2-related conditions. This variant is not present in population databases (gnomAD no frequency). This sequence change replaces proline, which is neutral and non-polar, with leucine, which is neutral and non-polar, at codon 559 of the IMPG2 protein (p.Pro559Leu).